The following is an entry in ClinVar:

ClinVar aggregate classification (germline): Pathogenic. Review status: criteria provided, multiple submitters, no conflicts (2 of 4 stars). 7 submissions from 7 submitters: Pathogenic (7). Last evaluated 2026-11-06.

Conditions:
Cone-rod dystrophy 3 (CORD3). Identifiers: Orphanet 1872, MedGen C1858806, MONDO:0011395, OMIM 604116.
Age related macular degeneration 2. Also called: MACULAR DEGENERATION, SENILE; MACULOPATHY, AGE-RELATED, 2; MACULOPATHY, AGE-RELATED. Identifiers: MedGen C3495438, MONDO:0007932, OMIM 153800.
Severe early-childhood-onset retinal dystrophy (STGD1). Also called: Stargardt macular dystrophy; Juvenile onset macular degeneration; Stargardt disease 1; MACULAR DYSTROPHY WITH FLECKS, TYPE 1; STGD. Identifiers: Orphanet 364055, Orphanet 827, MedGen C1855465, MeSH D000080362, MONDO:0009549, OMIM 248200.
Retinitis pigmentosa 19 (RP19). Also called: ABCA4-Related Retinitis Pigmentosa. Identifiers: Orphanet 791, MedGen C1866422, MONDO:0011137, OMIM 601718.
ABCA4-related disorder. Also called: ABCA4-related disorders; ABCA4-related condition. Identifiers: MedGen CN239167.
Retinal dystrophy. Also called: Inherited retinal dystrophy. Identifiers: Orphanet 71862, MedGen C0854723, MeSH D058499, MONDO:0019118, HP:0000556.

Allele frequency attached by ClinVar (database versions not stated): gnomAD exomes 0.00003; TOPMed 0.00002; gnomAD 0.00001; ExAC 0.00006.
gnomAD v4.1: 18 of 1,613,818 alleles (0.0011%); highest among the groups gnomAD compares: Non-Finnish European, 0.0015%; no homozygotes.

Submissions (7):

Clinical Genetics Laboratory, Skane University Hospital Lund
Classification: Pathogenic for Retinal dystrophy. Last evaluated: 2026-11-06. Review status: criteria provided, single submitter. Criteria: ACMG Guidelines, 2015. Collection method: clinical testing. Allele origin: germline. Inheritance: Autosomal recessive inheritance. Affected: yes.
Comment: ACMG criteria used. PVS1, PM2_supporting, PM3_strong.

Labcorp Genetics (formerly Invitae), Labcorp
Classification: Pathogenic. Last evaluated: 2025-06-12. Review status: criteria provided, single submitter. Criteria: Invitae Variant Classification Sherloc (09022015). Collection method: clinical testing. Allele origin: germline.
Comment: This sequence change creates a premature translational stop signal (p.Arg107*) in the ABCA4 gene. It is expected to result in an absent or disrupted protein product. Loss-of-function variants in ABCA4 are known to be pathogenic (PMID: 10958761, 24938718, 25312043, 26780318). This variant is present in population databases (rs765429911, gnomAD 0.006%). This premature translational stop signal has been observed in individuals with Stargardt disease or cone-rod dystrophy (PMID: 20696155, 26261413, 26780318). ClinVar contains an entry for this variant (Variation ID: 488674). For these reasons, this variant has been classified as Pathogenic.

Fulgent Genetics
Classification: Pathogenic for Age related macular degeneration 2; Severe early-childhood-onset retinal dystrophy; Retinitis pigmentosa 19; Cone-rod dystrophy 3. Last evaluated: 2024-05-16. Review status: criteria provided, single submitter. Criteria: ACMG Guidelines, 2015. Collection method: clinical testing. Allele origin: germline.

Blueprint Genetics
Classification: Pathogenic for ABCA4-related disorders. Last evaluated: 2024-04-11. Review status: criteria provided, single submitter. Criteria: ACMG Guidelines, 2015. Collection method: clinical testing. Allele origin: germline. Affected: yes. Observed: 5 variant alleles.

Institute of Human Genetics, Univ. Regensburg, Univ. Regensburg
Classification: Pathogenic for Retinal dystrophy. Last evaluated: 2022-01-01. Review status: criteria provided, single submitter. Criteria: ACMG Guidelines, 2015. Collection method: clinical testing. Allele origin: germline. Affected: yes.

Ocular Genomics Institute, Massachusetts Eye and Ear
Classification: Pathogenic for Severe early-childhood-onset retinal dystrophy. Last evaluated: 2021-04-08. Review status: criteria provided, single submitter. Criteria: ACMG Guidelines, 2015. Collection method: research. Allele origin: germline. Affected: yes.
Comment: Through a review of available evidence we were able to apply the following criteria: PM2, PVS1, PM3. Based on this evidence we have classified this variant as Pathogenic.

GeneDx
Classification: Pathogenic. Last evaluated: 2018-11-30. Review status: criteria provided, single submitter. Criteria: GeneDx Variant Classification (06012015). Collection method: clinical testing. Allele origin: germline. Affected: yes.
Comment: The R107X nonsense variant in the ABCA4 gene has been published as a pathogenic variant in association with ABCA4-related disorders (Burke et al., 2010; KjellstrÃ¶m et al., 2015; Jiang et al., 2016). This pathogenic variant is predicted to cause loss of normal protein function either through protein truncation or nonsense-mediated mRNA decay. The R107X variant is not observed at a significant frequency in large population cohorts (Lek et al., 2016). This variant is interpreted to be pathogenic.

Literature cited by the submitters: PubMed 10958761 (cited by Labcorp Genetics (formerly Invitae), Labcorp); PubMed 24938718 (cited by Labcorp Genetics (formerly Invitae), Labcorp); PubMed 25312043 (cited by Labcorp Genetics (formerly Invitae), Labcorp); PubMed 26780318 (cited by 3 submitters); PubMed 20696155 (cited by 3 submitters); PubMed 26261413 (cited by 3 submitters); PubMed 25525159 (cited by Institute of Human Genetics, Univ. Regensburg, Univ. Regensburg); PubMed 31964843 (cited by Institute of Human Genetics, Univ. Regensburg, Univ. Regensburg); PubMed 31980526 (cited by Institute of Human Genetics, Univ. Regensburg, Univ. Regensburg); PubMed 32307445 (cited by Institute of Human Genetics, Univ. Regensburg, Univ. Regensburg); PubMed 32783370 (cited by Institute of Human Genetics, Univ. Regensburg, Univ. Regensburg); PubMed 33301772 (cited by Institute of Human Genetics, Univ. Regensburg, Univ. Regensburg); PubMed 36338671 (cited by Institute of Human Genetics, Univ. Regensburg, Univ. Regensburg); PubMed 36460718 (cited by Institute of Human Genetics, Univ. Regensburg, Univ. Regensburg); PubMed 35657619 (cited by Institute of Human Genetics, Univ. Regensburg, Univ. Regensburg).

NM_000350.3(ABCA4):c.319C>T (p.Arg107Ter)

Gene: ABCA4 (ATP binding cassette subfamily A member 4; minus strand). Cytogenetic location: 1p22.1.
Variant type: single nucleotide variant.
Coding change: c.319C>T on transcript NM_000350.3 (MANE Select); coding-DNA position 319, C replaced by T.
Protein change: p.Arg107Ter; replaces arginine 107 with a stop codon.
Molecular consequence: nonsense.
Genome position (GRCh38, 1-based): chr1:94,108,700, G>A on the plus strand (C>T on the coding strand, the complement: ABCA4 is on the minus strand). VCF-style: chr1-94108700-G-A. GRCh37 (hg19) VCF-style: chr1-94574256-G-A.
Other names: c.319C>T, p.Arg107Ter (NM_001425324.1); short protein forms R107*.
Identifiers: ClinVar variation 488674 (VCV000488674.16), dbSNP rs765429911, ClinGen allele CA958864.